The following is an entry in ClinVar:

NM_001368809.2(AMPD2):c.1871G>T (p.Gly624Val)

Gene: AMPD2 (adenosine monophosphate deaminase 2; plus strand). Cytogenetic location: 1p13.3.
Variant type: single nucleotide variant.
Coding change: c.1871G>T on transcript NM_001368809.2 (MANE Select); coding-DNA position 1871, G replaced by T.
Protein change: p.Gly624Val; replaces glycine 624 with valine.
Molecular consequence: missense variant.
Genome position (GRCh38, 1-based): chr1:109,629,804, G>T. VCF-style: chr1-109629804-G-T. GRCh37 (hg19) VCF-style: chr1-110172426-G-T.
Other names: c.2033G>T (NM_001257360.1); c.1679G>T, p.Gly560Val (NM_001257361.2); c.1808G>T, p.Gly603Val (NM_001308170.1); c.1871G>T, p.Gly624Val (NM_004037.9); c.1790G>T, p.Gly597Val (NM_139156.4); short protein forms G597V, G603V, G560V, G624V.
Identifiers: ClinVar variation 972414 (VCV000972414.9), dbSNP rs1349754803, ClinGen allele CA341561942.

ClinVar aggregate classification (germline): Uncertain significance (1 of 4 stars; one submission).

Conditions:
Hereditary spastic paraplegia 63. Also called: Spastic paraplegia 63, autosomal recessive. Identifiers: Orphanet 401805, MedGen C3810295, MONDO:0014305, OMIM 615686.
Pontocerebellar hypoplasia type 9. Identifiers: Orphanet 369920, MedGen C4014354, MONDO:0014351, OMIM 615809.

Allele frequency attached by ClinVar (database versions not stated): TOPMed 0.00002; gnomAD 0.00003 and 0.00004.
gnomAD v4.1: 12 of 1,597,856 alleles (0.00075%); highest among the groups gnomAD compares: Non-Finnish European, 0.001%; no homozygotes.

Submission:

Labcorp Genetics (formerly Invitae), Labcorp
Classification: Uncertain significance for Pontocerebellar hypoplasia type 9; Hereditary spastic paraplegia 63. Last evaluated: 2020-01-27. Review status: criteria provided, single submitter. Criteria: Invitae Variant Classification Sherloc (09022015). Collection method: clinical testing. Allele origin: germline.
Comment: This sequence change replaces glycine with valine at codon 678 of the AMPD2 protein (p.Gly678Val). The glycine residue is highly conserved and there is a moderate physicochemical difference between glycine and valine. This variant is not present in population databases (ExAC no frequency). This variant has not been reported in the literature in individuals with AMPD2-related conditions. Algorithms developed to predict the effect of missense changes on protein structure and function are either unavailable or do not agree on the potential impact of this missense change (SIFT: "Deleterious"; PolyPhen-2: "Probably Damaging"; Align-GVGD: "Class C0"). In summary, the available evidence is currently insufficient to determine the role of this variant in disease. Therefore, it has been classified as a Variant of Uncertain Significance.